The following is an entry in ClinVar:

ClinVar aggregate classification (germline): Uncertain significance (1 of 4 stars; one submission).

Conditions:
Orofacial cleft 11 (OFC11). Also called: Orofacial cleft 11; ofc11; CLEFT LIP WITH OR WITHOUT CLEFT PALATE, NONSYNDROMIC, 11. Identifiers: MedGen C2677434, MONDO:0010906, OMIM 600625.
Microphthalmia with brain and digit anomalies (MCOPS6). Also called: MICROPHTHALMIA AND PITUITARY ANOMALIES; Microphthalmia, syndromic 6. Identifiers: Orphanet 139471, MedGen C1864689, MONDO:0011936, OMIM 607932.

Submission:

Labcorp Genetics (formerly Invitae), Labcorp
Classification: Uncertain significance for Microphthalmia with brain and digit anomalies; Orofacial cleft 11. Last evaluated: 2025-09-14. Review status: criteria provided, single submitter. Criteria: Invitae Variant Classification Sherloc (09022015). Collection method: clinical testing. Allele origin: germline.
Comment: This sequence change replaces aspartic acid, which is acidic and polar, with tyrosine, which is neutral and polar, at codon 166 of the BMP4 protein (p.Asp166Tyr). This variant is not present in population databases (gnomAD no frequency). This variant has not been reported in the literature in individuals affected with BMP4-related conditions. Invitae Evidence Modeling of protein sequence and biophysical properties (such as structural, functional, and spatial information, amino acid conservation, physicochemical variation, residue mobility, and thermodynamic stability) indicates that this missense variant is not expected to disrupt BMP4 protein function with a negative predictive value of 80%. In summary, the available evidence is currently insufficient to determine the role of this variant in disease. Therefore, it has been classified as a Variant of Uncertain Significance.

NM_001202.6(BMP4):c.496G>T (p.Asp166Tyr)

Gene: BMP4 (bone morphogenetic protein 4; minus strand). Cytogenetic location: 14q22.2.
Variant type: single nucleotide variant.
Coding change: c.496G>T on transcript NM_001202.6 (MANE Select); coding-DNA position 496, G replaced by T.
Protein change: p.Asp166Tyr; replaces aspartic acid 166 with tyrosine.
Molecular consequence: missense variant.
Genome position (GRCh38, 1-based): chr14:53,950,763, C>A on the plus strand (G>T on the coding strand, the complement: BMP4 is on the minus strand). VCF-style: chr14-53950763-C-A. GRCh37 (hg19) VCF-style: chr14-54417481-C-A.
Other names: c.637G>T, p.Asp213Tyr (NM_001347912.1); c.307G>T, p.Asp103Tyr (NM_001347913.2, NM_001347915.2, NM_001347917.1); c.496G>T, p.Asp166Tyr (NM_001347914.2, NM_001347916.1, NM_130850.5 and 1 more transcripts); short protein forms D103Y, D166Y, D213Y.
Identifiers: ClinVar variation 4782626 (VCV004782626.1).